The following is an entry in ClinVar:

ClinVar aggregate classification (germline): Likely benign. Review status: criteria provided, single submitter (1 of 4 stars). 2 submissions from 2 submitters: Likely benign (1). 1 of the submissions does not count toward it. Last evaluated 2022-04-12.

Conditions:
Inborn genetic diseases. Identifiers: MedGen C0950123, MeSH D030342.
ZNF292-related disorder. Also called: ZNF292-related condition.

Allele frequency attached by ClinVar (database versions not stated): TOPMed 0.00008; gnomAD 0.00009; 1000 Genomes Project 30x 0.00016; gnomAD exomes 0.00016; ESP Exome Variant Server 0.00017; 1000 Genomes Project 0.00020; ExAC 0.00025.
gnomAD v4.1: 263 of 1,613,544 alleles (0.016%); highest among the groups gnomAD compares: South Asian, 0.11%; no homozygotes.

Submissions (2):

Ambry Genetics
Classification: Likely benign for Inborn genetic diseases. Last evaluated: 2022-04-12. Review status: criteria provided, single submitter. Criteria: Ambry Variant Classification Scheme 2023. Collection method: clinical testing. Allele origin: germline.

PreventionGenetics, part of Exact Sciences
Classification: Likely benign for ZNF292-related condition. Last evaluated: 2022-02-02. Review status: no assertion criteria provided. Collection method: clinical testing. Allele origin: germline. Not counted in ClinVar's aggregate classification.
Comment: This variant is classified as likely benign based on ACMG/AMP sequence variant interpretation guidelines (Richards et al. 2015 PMID: 25741868, with internal and published modifications).

NM_015021.3(ZNF292):c.3401G>A (p.Arg1134His)

Gene: ZNF292 (zinc finger protein 292; plus strand). Cytogenetic location: 6q14.3.
Variant type: single nucleotide variant.
Coding change: c.3401G>A on transcript NM_015021.3 (MANE Select); coding-DNA position 3401, G replaced by A.
Protein change: p.Arg1134His; replaces arginine 1134 with histidine.
Molecular consequence: missense variant.
Genome position (GRCh38, 1-based): chr6:87,257,030, G>A. VCF-style: chr6-87257030-G-A. GRCh37 (hg19) VCF-style: chr6-87966748-G-A.
Other names: c.2981G>A, p.Arg994His (NM_001351444.2); short protein forms R1134H, R994H.
Identifiers: ClinVar variation 3035231 (VCV003035231.3), dbSNP rs369834034, ClinGen allele CA3914106.